The following is an entry in ClinVar:

NM_032531.4(KIRREL3):c.1696+93G>T

Gene: KIRREL3 (kirre like nephrin family adhesion molecule 3; minus strand). Cytogenetic location: 11q24.2.
Variant type: single nucleotide variant.
Coding change: c.1696+93G>T on transcript NM_032531.4 (MANE Select); 93 bases into the intron after coding-DNA position 1696, G replaced by T.
Molecular consequence: intron variant. On other transcripts: nonsense (3).
Genome position (GRCh38, 1-based): chr11:126,431,326, C>A on the plus strand (G>T on the coding strand, the complement: KIRREL3 is on the minus strand). VCF-style: chr11-126431326-C-A. GRCh37 (hg19) VCF-style: chr11-126301221-C-A.
Other names: c.1789G>T, p.Glu597Ter (NM_001161707.2); c.1828G>T, p.Glu610Ter (NM_001441263.1); c.1753G>T, p.Glu585Ter (NM_001441264.1); c.1696+93G>T (NM_001441257.1, NM_001441258.1); c.1510+93G>T (NM_001441262.1); c.1553-2038G>T (NM_001441261.1); c.1660+93G>T (NM_001301097.2); c.1735+18G>T (NM_001441251.1); and 7 more; short protein forms E597*, E585*, E610*.
Identifiers: ClinVar variation 3029285 (VCV003029285.2), dbSNP rs2134149133, ClinGen allele CA383232805.
Genomic context (GRCh38, chr11:126,431,326, plus strand): 5'-ACCGATGCATCAGACCCACTCCCTGCCCCAGGAGCTCACAGCACTGTTAGGACCCCTGTT[C>A]ATTGCACTCCTGCTTACTTGCTCTCCGGGGCAGCCTAAGCCTGGCCTTTTTCTCTGTCCC-3'

ClinVar aggregate classification (germline): Uncertain significance (0 of 4 stars; one submission).

Conditions:
KIRREL3-related disorder. Also called: KIRREL3-related condition.

Submission:

PreventionGenetics, part of Exact Sciences
Classification: Uncertain significance for KIRREL3-related condition. Last evaluated: 2024-03-13. Review status: no assertion criteria provided. Collection method: clinical testing. Allele origin: germline.
Comment: The KIRREL3 c.1789G>T variant is predicted to result in premature protein termination (p.Glu597*). To our knowledge, this variant has not been reported in the literature or in a large population database, indicating this variant is rare. At this time, the clinical significance of this variant is uncertain due to the absence of conclusive functional and genetic evidence.